The following is an entry in ClinVar:

NM_006904.7(PRKDC):c.8662G>T (p.Val2888Leu)

Genes: PRKDC (protein kinase, DNA-activated, catalytic subunit; minus strand), LOC121740717 (Sharpr-MPRA regulatory region 7649; plus strand). Cytogenetic location: 8q11.21.
Variant type: single nucleotide variant.
Coding change: c.8662G>T on transcript NM_006904.7 (MANE Select); coding-DNA position 8662, G replaced by T.
Protein change: p.Val2888Leu; replaces valine 2888 with leucine.
Molecular consequence: missense variant.
Genome position (GRCh38, 1-based): chr8:47,826,777, C>A on the plus strand (G>T on the coding strand, the complement: PRKDC is on the minus strand). VCF-style: chr8-47826777-C-A. GRCh37 (hg19) VCF-style: chr8-48739338-C-A.
Other names: c.8662G>T, p.Val2888Leu (NM_001081640.2); short protein forms V2888L.
Identifiers: ClinVar variation 652673 (VCV000652673.8), dbSNP rs185741285, ClinGen allele CA4739768.

ClinVar aggregate classification (germline): Uncertain significance. Review status: criteria provided, multiple submitters, no conflicts (2 of 4 stars). 2 submissions from 2 submitters: Uncertain significance (2). Last evaluated 2025-01-06.

Conditions:
Severe combined immunodeficiency due to DNA-PKcs deficiency. Also called: IMMUNODEFICIENCY 26 WITH NEUROLOGIC ABNORMALITIES; Immunodeficiency 26 with or without neurologic abnormalities. Identifiers: Orphanet 317425, MedGen C4014833, MONDO:0014423, OMIM 615966.

Allele frequency attached by ClinVar (database versions not stated): TOPMed 0.00013; 1000 Genomes Project 30x 0.00031; 1000 Genomes Project 0.00040.
gnomAD v4.1: 50 of 1,611,484 alleles (0.0031%); highest among the groups gnomAD compares: African/African-American, 0.047%; no homozygotes.

Submissions (2):

Labcorp Genetics (formerly Invitae), Labcorp
Classification: Uncertain significance for Severe combined immunodeficiency due to DNA-PKcs deficiency. Last evaluated: 2025-01-06. Review status: criteria provided, single submitter. Criteria: Invitae Variant Classification Sherloc (09022015). Collection method: clinical testing. Allele origin: germline.
Comment: This sequence change replaces valine, which is neutral and non-polar, with leucine, which is neutral and non-polar, at codon 2888 of the PRKDC protein (p.Val2888Leu). This variant is present in population databases (rs185741285, gnomAD 0.04%). This variant has not been reported in the literature in individuals affected with PRKDC-related conditions. ClinVar contains an entry for this variant (Variation ID: 652673). Invitae Evidence Modeling of protein sequence and biophysical properties (such as structural, functional, and spatial information, amino acid conservation, physicochemical variation, residue mobility, and thermodynamic stability) indicates that this missense variant is not expected to disrupt PRKDC protein function with a negative predictive value of 80%. In summary, the available evidence is currently insufficient to determine the role of this variant in disease. Therefore, it has been classified as a Variant of Uncertain Significance.

Blueprint Genetics
Classification: Uncertain significance. Last evaluated: 2024-10-09. Review status: criteria provided, single submitter. Criteria: ACMG Guidelines, 2015. Collection method: clinical testing. Allele origin: germline.